The following is an entry in ClinVar:

ClinVar aggregate classification (germline): Conflicting classifications of pathogenicity. Review status: criteria provided, conflicting classifications (1 of 4 stars). 3 submissions from 3 submitters: Uncertain significance (1); Likely benign (2). Last evaluated 2024-01-25.

Conditions:
Maturity-onset diabetes of the young (MODY). Also called: Maturity onset diabetes mellitus in young. Identifiers: Orphanet 552, MedGen C0342276, MONDO:0018911, HP:0004904.
Neonatal diabetes mellitus (NDM). Identifiers: Orphanet 224, MedGen C0158981, MONDO:0016391.

Allele frequency attached by ClinVar (database versions not stated): gnomAD exomes below 0.00001; gnomAD 0.00004; TOPMed 0.00005.

Submissions (3):

Labcorp Genetics (formerly Invitae), Labcorp
Classification: Likely benign. Last evaluated: 2024-01-25. Review status: criteria provided, single submitter. Criteria: Invitae Variant Classification Sherloc (09022015). Collection method: clinical testing. Allele origin: germline.

Women's Health and Genetics/Laboratory Corporation of America, LabCorp
Classification: Likely benign for Neonatal Diabetes Mellitus. Last evaluated: 2011-08-18. Review status: criteria provided, single submitter. Criteria: LabCorp Variant Classification Summary - May 2015. Collection method: curation, clinical testing. Allele origin: germline. Inheritance: autosomal unknown. Affected: yes.
ClinVar note: Converted during submission from likely benign to Likely benign.

Clinical Genomics, Uppaluri K&H Personalized Medicine Clinic
Classification: Uncertain significance for Maturity-onset diabetes of the young. Review status: criteria provided, single submitter. Criteria: K&H Uppaluri Personalized Medicine Clinic Variant Classification & Assertion Criteria. Collection method: research. Allele origin: somatic. Inheritance: Autosomal dominant inheritance.
Comment: Mutations in KCNJ11 gene can cause decreased production and secretion of insulin. This can lead to MODY which is responsive to oral sulfonylureas. It is also associated with Neonatal Diabetes. However, no sufficient evidence is found to ascertain the role of rs193922564 variant in Diabetes Mellitus yet.

Literature cited by the submitters: PubMed 26448950 (cited by Clinical Genomics, Uppaluri K&H Personalized Medicine Clinic); PubMed 15580558 (cited by Clinical Genomics, Uppaluri K&H Personalized Medicine Clinic); PubMed 15718250 (cited by Clinical Genomics, Uppaluri K&H Personalized Medicine Clinic).

NM_000525.4(KCNJ11):c.54A>G (p.Ala18=)

Gene: KCNJ11 (potassium inwardly rectifying channel subfamily J member 11; minus strand). Cytogenetic location: 11p15.1.
Variant type: single nucleotide variant.
Coding change: c.54A>G on transcript NM_000525.4 (MANE Select); coding-DNA position 54, A replaced by G.
Protein change: p.Ala18=; no amino-acid change (alanine 18 retained).
Molecular consequence: synonymous variant. On other transcripts: 5 prime UTR variant (1), intron variant (2).
Genome position (GRCh38, 1-based): chr11:17,388,038, T>C on the plus strand (A>G on the coding strand, the complement: KCNJ11 is on the minus strand). VCF-style: chr11-17388038-T-C. GRCh37 (hg19) VCF-style: chr11-17409585-T-C.
Other names: c.-37A>G (NM_001377296.1); c.-16-192A>G (NM_001166290.2, NM_001377297.1).
Identifiers: ClinVar variation 36432 (VCV000036432.12), dbSNP rs193922564, ClinGen allele CA214110.